The following is an entry in ClinVar:

NM_001429.4(EP300):c.1791T>A (p.Pro597=)

Gene: EP300 (EP300 lysine acetyltransferase; plus strand). Cytogenetic location: 22q13.2.
Variant type: single nucleotide variant.
Coding change: c.1791T>A on transcript NM_001429.4 (MANE Select); coding-DNA position 1791, T replaced by A.
Protein change: p.Pro597=; no amino-acid change (proline 597 retained).
Molecular consequence: synonymous variant.
Genome position (GRCh38, 1-based): chr22:41,140,170, T>A. VCF-style: chr22-41140170-T-A. GRCh37 (hg19) VCF-style: chr22-41536174-T-A.
Other names: c.1791T>A, p.Pro597= (NM_001362843.2).
Identifiers: ClinVar variation 4989856 (VCV004989856.1).

ClinVar aggregate classification (germline): Likely benign (1 of 4 stars; one submission).

Conditions:
EP300-related disorder. Also called: EP300-related condition; EP300-related disorders.

gnomAD v4.1: 7 of 1,614,156 alleles (0.00043%); highest among the groups gnomAD compares: Non-Finnish European, 0.00059%; no homozygotes.

Submission:

PreventionGenetics, part of Exact Sciences
Classification: Likely benign for EP300-related condition. Last evaluated: 2024-12-13. Review status: criteria provided, single submitter. Criteria: ACMG Guidelines, 2015. Collection method: clinical testing. Allele origin: germline.
Comment: This variant is classified as likely benign based on ACMG/AMP sequence variant interpretation guidelines (Richards et al. 2015 PMID: 25741868, with internal and published modifications).